The following is an entry in ClinVar:

NM_004897.5(MINPP1):c.157T>G (p.Tyr53Asp)

Gene: MINPP1 (multiple inositol-polyphosphate phosphatase 1; plus strand). Cytogenetic location: 10q23.2.
Variant type: single nucleotide variant.
Coding change: c.157T>G on transcript NM_004897.5 (MANE Select); coding-DNA position 157, T replaced by G.
Protein change: p.Tyr53Asp; replaces tyrosine 53 with aspartic acid.
Molecular consequence: missense variant.
Genome position (GRCh38, 1-based): chr10:87,505,072, T>G. VCF-style: chr10-87505072-T-G. GRCh37 (hg19) VCF-style: chr10-89264829-T-G.
Other names: c.157T>G, p.Tyr53Asp (NM_001178117.2); short protein forms Y53D.
Identifiers: ClinVar variation 1285619 (VCV001285619.3), dbSNP rs2131792567, ClinGen allele CA377780462.

ClinVar aggregate classification (germline): Likely pathogenic. Review status: criteria provided, single submitter (1 of 4 stars). 2 submissions from 2 submitters: Likely pathogenic (1). 1 of the submissions does not count toward it. Last evaluated 2022-03-28.

Conditions:
Pontocerebellar hypoplasia, type 16. Identifiers: MedGen C5561987, MONDO:0030438, OMIM 619527.

Submissions (2):

SIB Swiss Institute of Bioinformatics
Classification: Likely pathogenic for Pontocerebellar hypoplasia, type 16. Last evaluated: 2022-03-28. Review status: criteria provided, single submitter. Criteria: ACMG Guidelines, 2015. Collection method: curation. Allele origin: unknown.
Comment: This variant is interpreted as likely pathogenic for Pontocerebellar hypoplasia, type 16, autosomal recessive. The following ACMG Tag(s) were applied: Absent from controls (or at extremely low frequency if recessive) in Exome Sequencing Project, 1000 Genomes Project, or Exome Aggregation Consortium (PM2); Multiple lines of computational evidence support a deleterious effect on the gene or gene product (PP3); Well-established functional studies show a deleterious effect (PS3).

OMIM
Classification: Pathogenic for PONTOCEREBELLAR HYPOPLASIA, TYPE 16. Last evaluated: 2022-09-08. Review status: no assertion criteria provided. Collection method: literature only. Allele origin: germline. Not counted in ClinVar's aggregate classification.

Literature cited by the submitters: PubMed 33257696 (cited by SIB Swiss Institute of Bioinformatics and OMIM).